The following is an entry in ClinVar:

NM_000257.4(MYH7):c.5773C>T (p.Arg1925Cys)

Gene: MYH7 (myosin heavy chain 7; minus strand). Cytogenetic location: 14q11.2.
Variant type: single nucleotide variant.
Coding change: c.5773C>T on transcript NM_000257.4 (MANE Select); coding-DNA position 5773, C replaced by T.
Protein change: p.Arg1925Cys; replaces arginine 1925 with cysteine.
Molecular consequence: missense variant.
Genome position (GRCh38, 1-based): chr14:23,413,776, G>A on the plus strand (C>T on the coding strand, the complement: MYH7 is on the minus strand). VCF-style: chr14-23413776-G-A. GRCh37 (hg19) VCF-style: chr14-23882985-G-A.
Other names: short protein forms R1925C.
Identifiers: ClinVar variation 1037017 (VCV001037017.11), dbSNP rs755706526, ClinGen allele CA048205.
Genomic context (GRCh38, chr14:23,413,776, plus strand): 5'-CCTGCTGTGGGGGTGACTAGCAAAGCCCAAAAGAGGGACCCACCTTCGTGCCAATGTCAC[G>A]GCTCTTGGCCCGCAGCTTGTTGACCTGGGACTCGGCGATGTCCGCCCGCTCCTCTGCCTC-3'
Protein context (NP_000248.2, residues 1915-1935): SQVNKLRAKS[Arg1925Cys]DIGTKGLNEE

ClinVar aggregate classification (germline): Conflicting classifications of pathogenicity. Review status: criteria provided, conflicting classifications (1 of 4 stars). 5 submissions from 5 submitters: Pathogenic (1); Uncertain significance (3); VUS-high (1). Last evaluated 2026-06-16.

Conditions:
Cardiomyopathy (CMYO). Also called: Cardiomyopathies. Identifiers: Orphanet 167848, MedGen C0878544, MONDO:0004994, HP:0001638. Inheritance: Various modes of inheritance.
Hypertrophic cardiomyopathy. Also called: HYPERTROPHIC MYOCARDIOPATHY. Identifiers: Orphanet 217569, MedGen C0007194, MeSH D002312, MONDO:0005045, HP:0001639.
Cardiovascular phenotype. Identifiers: MedGen CN230736.
Dilated cardiomyopathy 1S (CMD1S). Identifiers: Orphanet 154, Orphanet 54260, MedGen C1834481, MONDO:0013262, OMIM 613426.

Allele frequency attached by ClinVar (database versions not stated): gnomAD exomes below 0.00001; ExAC 0.00001.
gnomAD v4.1: 4 of 1,614,186 alleles (0.00025%); highest among the groups gnomAD compares: Non-Finnish European, 0.00025%; no homozygotes.

Submissions (5):

Ambry Genetics
Classification: Uncertain significance for Cardiovascular phenotype. Last evaluated: 2026-06-16. Review status: criteria provided, single submitter. Criteria: Ambry Variant Classification Scheme 2023. Collection method: clinical testing. Allele origin: germline.
Comment: The p.R1925C variant (also known as c.5773C>T), located in coding exon 37 of the MYH7 gene, results from a C to T substitution at nucleotide position 5773. The arginine at codon 1925 is replaced by cysteine, an amino acid with highly dissimilar properties. This variant was reported in individuals with variable cardiomyopathies, including several individuals with dilated cardiomyopathy (Walsh R et al. Genet Med, 2017 Feb;19:192-203; Janin A et al. Mol Diagn Ther, 2021 May;25:373-385; Ambry internal data; external communication). This amino acid position is highly conserved in available vertebrate species. In addition, this alteration is predicted to be deleterious by in silico analysis. Based on the available evidence, the clinical significance of this variant remains unclear.

Labcorp Genetics (formerly Invitae), Labcorp
Classification: Pathogenic for Hypertrophic cardiomyopathy. Last evaluated: 2025-12-16. Review status: criteria provided, single submitter. Criteria: Invitae Variant Classification Sherloc (09022015). Collection method: clinical testing. Allele origin: germline.
Comment: This sequence change replaces arginine, which is basic and polar, with cysteine, which is neutral and slightly polar, at codon 1925 of the MYH7 protein (p.Arg1925Cys). This variant is present in population databases (rs755706526, gnomAD 0.0009%). This missense change has been observed in individuals with dilated cardiomyopathy, hypertrophic cardiomyopathy, and/or left ventricular noncompaction (PMID: 27532257; internal data). ClinVar contains an entry for this variant (Variation ID: 1037017). Invitae Evidence Modeling of protein sequence and biophysical properties (such as structural, functional, and spatial information, amino acid conservation, physicochemical variation, residue mobility, and thermodynamic stability) indicates that this missense variant is expected to disrupt MYH7 protein function with a positive predictive value of 95%. For these reasons, this variant has been classified as Pathogenic.

Center for Molecular Medicine, Children’s Hospital of Fudan University
Classification: VUS-high for Dilated cardiomyopathy 1S. Last evaluated: 2025-12-12. Review status: criteria provided, single submitter. Criteria: ACMG Guidelines 2015. Collection method: clinical testing. Allele origin: paternal. Affected: yes.
Comment: PM5+PM2

All of Us Research Program, National Institutes of Health
Classification: Uncertain significance for Cardiomyopathy. Last evaluated: 2023-08-15. Review status: criteria provided, single submitter. Criteria: ACMG Guidelines, 2015. Collection method: clinical testing. Allele origin: germline. Inheritance: Autosomal dominant inheritance. Observed: 1 variant allele, 1 heterozygote.
Comment: This missense variant replaces arginine with cysteine at codon 1925 of the MYH7 protein. Computational prediction suggests that this variant may have a deleterious impact on protein structure and function (internally defined REVEL score threshold >= 0.7, PMID: 27666373). To our knowledge, functional studies have not been reported for this variant. This variant has been reported in an individual affected with hypertrophic cardiomyopathy (PMID: 27532257). This variant has been identified in 1/251330 chromosomes in the general population by the Genome Aggregation Database (gnomAD). The available evidence is insufficient to determine the role of this variant in disease conclusively. Therefore, this variant is classified as a Variant of Uncertain Significance.

This study involves interpretation of variants in research participants for the purpose of population health screening. Participant phenotype was not available at the time of variant classification. Additional details can be found in publication PMID: 35346344, PMCID: PMC8962531

Clinical Genetics Laboratory, Skane University Hospital Lund
Classification: Uncertain significance. Last evaluated: 2023-04-17. Review status: criteria provided, single submitter. Criteria: ACMG Guidelines, 2015. Collection method: clinical testing. Allele origin: germline. Affected: yes.

Literature cited by the submitters: PubMed 27532257 (cited by 3 submitters); PubMed 33954932 (cited by Ambry Genetics).